The following is an entry in ClinVar:

ClinVar aggregate classification (germline): Likely benign. Review status: criteria provided, multiple submitters, no conflicts (2 of 4 stars). 3 submissions from 3 submitters: Likely benign (2). 1 of the submissions does not count toward it. Last evaluated 2025-11-26.

Conditions:
Lethal multiple pterygium syndrome (LMPS). Identifiers: Orphanet 33108, MedGen C1854678, MONDO:0009668, OMIM 253290.
CHRND-related disorder. Also called: CHRND-related condition; CHRND-Related Disorders.

Allele frequency attached by ClinVar (database versions not stated): ExAC 0.00006; gnomAD exomes 0.00006 and 0.00021; gnomAD 0.00010 and 0.00011; TOPMed 0.00010.
gnomAD v4.1: 317 of 1,613,704 alleles (0.02%); highest among the groups gnomAD compares: Non-Finnish European, 0.026%; no homozygotes.

Submissions (3):

Mayo Clinic Laboratories, Mayo Clinic
Classification: Likely benign. Last evaluated: 2025-11-26. Review status: criteria provided, single submitter. Criteria: ACMG Guidelines, 2015. Collection method: clinical testing. Allele origin: germline. Observed: 1 variant allele.
Comment: BP4, BP7

Labcorp Genetics (formerly Invitae), Labcorp
Classification: Likely benign for Lethal multiple pterygium syndrome. Last evaluated: 2025-02-17. Review status: criteria provided, single submitter. Criteria: Invitae Variant Classification Sherloc (09022015). Collection method: clinical testing. Allele origin: germline.

PreventionGenetics, part of Exact Sciences
Classification: Likely benign for CHRND-related condition. Last evaluated: 2019-07-11. Review status: no assertion criteria provided. Collection method: clinical testing. Allele origin: germline. Not counted in ClinVar's aggregate classification.
Comment: This variant is classified as likely benign based on ACMG/AMP sequence variant interpretation guidelines (Richards et al. 2015 PMID: 25741868, with internal and published modifications).

NM_000751.3(CHRND):c.620-7C>T

Gene: CHRND (cholinergic receptor nicotinic delta subunit; plus strand). Cytogenetic location: 2q37.1.
Variant type: single nucleotide variant.
Coding change: c.620-7C>T on transcript NM_000751.3 (MANE Select); 7 bases into the intron before coding-DNA position 620, C replaced by T.
Molecular consequence: intron variant.
Genome position (GRCh38, 1-based): chr2:232,529,932, C>T. VCF-style: chr2-232529932-C-T. GRCh37 (hg19) VCF-style: chr2-233394642-C-T.
Other names: p.?; c.238+1276C>T (NM_001311195.2); c.317-7C>T (NM_001311196.2); c.575-7C>T (NM_001256657.2); c.620-7C>T (NM_000751.2).
Identifiers: ClinVar variation 1138612 (VCV001138612.10), dbSNP rs532055784, ClinGen allele CA2168099.